The following is an entry in ClinVar:

ClinVar aggregate classification (germline): Likely pathogenic (1 of 4 stars; one submission).

Conditions:
CFTR-related disorder (CFTR-RD). Also called: CFTR-related disorders; CFTR-related condition. Identifiers: MedGen C5924204, MONDO:7770004.

Submission:

Natera, Inc.
Classification: Likely pathogenic for CFTR-related disorders. Last evaluated: 2024-03-28. Review status: criteria provided, single submitter. Criteria: Natera Variant Classification Schema (03/2026). Collection method: clinical testing. Allele origin: germline.
Comment: The c.2745_2746delGT variant in CFTR is a frameshift variant predicted to shift the reading frame beginning at codon 916 and leads to a stop codon 58 codons downstream. This variant is expected to result in nonsense mediated decay, truncation, or a dysfunctional protein product. This variant is rare in the general population with a frequency below the threshold expected for the associated phenotype(s). Given the available evidence, this variant is classified as Likely Pathogenic.

NM_000492.4(CFTR):c.2745_2746del (p.Phe916fs)

Gene: CFTR (CF transmembrane conductance regulator; plus strand). Cytogenetic location: 7q31.2.
Variant type: Microsatellite.
Coding change: c.2745_2746del on transcript NM_000492.4 (MANE Select); coding-DNA positions 2745 to 2746, 2 bases deleted (GT; older notation c.2745_2746delGT).
Protein change: p.Phe916fs; shifts the reading frame from phenylalanine 916.
Molecular consequence: frameshift variant.
Genome position (GRCh38, 1-based): chr7:117,603,619-117,603,620, GT deleted; deleting any 2 consecutive bases within chr7:117,603,616-117,603,620 gives the same sequence; the c. name uses the placement nearest the transcript's 3' end. VCF-style (leftmost placement, unchanged base first): chr7-117603615-ATG-A. GRCh37 (hg19) VCF-style: chr7-117243669-ATG-A.
Other names: c.2743_2744GT[1], p.Phe916Leufs (NM_000492.3); c.2745_2746delGT (NM_000492.3); short protein forms F916fs.
Identifiers: ClinVar variation 4818514 (VCV004818514.1).
Genomic context (GRCh38, chr7:117,603,615, plus strand): 5'-ATAGTACTCATAGTAGAAATAACAGCTATGCAGTGATTATCACCAGCACCAGTTCGTATT[ATG>A]TGTTTTACATTTACGTGGGAGTAGCCGACACTTTGCTTGCTATGGGATTCTTCAGAGGTC-3'